The following is an entry in ClinVar:

NM_012293.3(PXDN):c.4342G>A (p.Val1448Met)

Gene: PXDN (peroxidasin; minus strand). Cytogenetic location: 2p25.3.
Variant type: single nucleotide variant.
Coding change: c.4342G>A on transcript NM_012293.3 (MANE Select); coding-DNA position 4342, G replaced by A.
Protein change: p.Val1448Met; replaces valine 1448 with methionine.
Molecular consequence: missense variant.
Genome position (GRCh38, 1-based): chr2:1,634,302, C>T on the plus strand (G>A on the coding strand, the complement: PXDN is on the minus strand). VCF-style: chr2-1634302-C-T. GRCh37 (hg19) VCF-style: chr2-1638074-C-T.
Other names: short protein forms V1448M.
Identifiers: ClinVar variation 471916 (VCV000471916.1), dbSNP rs577701184, ClinGen allele CA1512434.

ClinVar aggregate classification (germline): Uncertain significance (1 of 4 stars; one submission).

Conditions:
Anterior segment dysgenesis 7 (ASGD7). Also called: SCLEROCORNEA WITH OTHER OCULAR ANOMALIES; Anterior segment dysgenesis 7, with sclerocornea. Identifiers: Orphanet 289499, MedGen C3151617, MONDO:0010015, OMIM 269400.

Allele frequency attached by ClinVar (database versions not stated): gnomAD 0.00004 and 0.00005; gnomAD exomes 0.00005 and 0.00006; TOPMed 0.00007; ExAC 0.00020; 1000 Genomes Project 0.00040; 1000 Genomes Project 30x 0.00047.
gnomAD v4.1: 87 of 1,597,348 alleles (0.0054%); highest among the groups gnomAD compares: South Asian, 0.026%; no homozygotes.

Submission:

Labcorp Genetics (formerly Invitae), Labcorp
Classification: Uncertain significance for Anterior segment dysgenesis 7. Last evaluated: 2017-06-27. Review status: criteria provided, single submitter. Criteria: Invitae Variant Classification Sherloc (09022015). Collection method: clinical testing. Allele origin: germline.
Comment: This sequence change replaces valine with methionine at codon 1448 of the PXDN protein (p.Val1448Met). The valine residue is highly conserved and there is a small physicochemical difference between valine and methionine. This variant is present in population databases (rs577701184, ExAC 0.06%). This variant has not been reported in the literature in individuals with a PXDN-related disease. Algorithms developed to predict the effect of missense changes on protein structure and function (SIFT, PolyPhen-2, Align-GVGD) all suggest that this variant is likely to be tolerated, but these predictions have not been confirmed by published functional studies and their clinical significance is uncertain. In summary, this variant has uncertain impact on PXDN function. The available evidence is currently insufficient to determine its role in disease. Therefore, it has been classified as a Variant of Uncertain Significance.